The following is an entry in ClinVar:

ClinVar aggregate classification (germline): Likely benign. Review status: criteria provided, multiple submitters, no conflicts (2 of 4 stars). 2 submissions from 2 submitters: Likely benign (2). Last evaluated 2025-03-01.

Allele frequency attached by ClinVar (database versions not stated): gnomAD 0.00002 and 0.00003; gnomAD exomes 0.00002 and 0.00005; ExAC 0.00003; TOPMed 0.00005; ESP Exome Variant Server 0.00015.
gnomAD v4.1: 72 of 1,614,038 alleles (0.0045%); highest among the groups gnomAD compares: Non-Finnish European, 0.0059%; no homozygotes.

Submissions (2):

CeGaT Center for Human Genetics Tuebingen
Classification: Likely benign. Last evaluated: 2025-03-01. Review status: criteria provided, single submitter. Criteria: CeGaT Center For Human Genetics Tuebingen Variant Classification Criteria Version 2. Collection method: clinical testing. Allele origin: germline. Affected: yes. Observed: 1 variant allele.
Comment: TAB2: BP4, BP7

Labcorp Genetics (formerly Invitae), Labcorp
Classification: Likely benign. Last evaluated: 2023-06-15. Review status: criteria provided, single submitter. Criteria: Invitae Variant Classification Sherloc (09022015). Collection method: clinical testing. Allele origin: germline.

NM_001292034.3(TAB2):c.858A>G (p.Pro286=)

Genes: TAB2 (TGF-beta activated kinase 1 (MAP3K7) binding protein 2; plus strand), LOC126859827 (BRD4-independent group 4 enhancer GRCh37_chr6:149699707-149700906; plus strand). Cytogenetic location: 6q25.1.
Variant type: single nucleotide variant.
Coding change: c.858A>G on transcript NM_001292034.3 (MANE Select); coding-DNA position 858, A replaced by G.
Protein change: p.Pro286=; no amino-acid change (proline 286 retained).
Molecular consequence: synonymous variant.
Genome position (GRCh38, 1-based): chr6:149,378,773, A>G. VCF-style: chr6-149378773-A-G. GRCh37 (hg19) VCF-style: chr6-149699909-A-G.
Other names: c.762A>G, p.Pro254= (NM_001292035.3); c.858A>G, p.Pro286= (NM_001369506.1, NM_015093.6).
Identifiers: ClinVar variation 1575311 (VCV001575311.15), dbSNP rs144874468, ClinGen allele CA4041462.